The following is an entry in ClinVar:

NM_017617.5(NOTCH1):c.5326T>G (p.Ser1776Ala)

Gene: NOTCH1 (notch receptor 1; minus strand). Cytogenetic location: 9q34.3.
Variant type: single nucleotide variant.
Coding change: c.5326T>G on transcript NM_017617.5 (MANE Select); coding-DNA position 5326, T replaced by G.
Protein change: p.Ser1776Ala; replaces serine 1776 with alanine.
Molecular consequence: missense variant.
Genome position (GRCh38, 1-based): chr9:136,502,330, A>C on the plus strand (T>G on the coding strand, the complement: NOTCH1 is on the minus strand). VCF-style: chr9-136502330-A-C. GRCh37 (hg19) VCF-style: chr9-139396782-A-C.
Other names: short protein forms S1776A.
Identifiers: ClinVar variation 2853443 (VCV002853443.3), dbSNP rs367610771, ClinGen allele CA375640532.

ClinVar aggregate classification (germline): Uncertain significance (1 of 4 stars; one submission).

Conditions:
Adams-Oliver syndrome 5 (AOS5). Identifiers: Orphanet 974, MedGen C4014970, MONDO:0014459, OMIM 616028.

Submission:

Labcorp Genetics (formerly Invitae), Labcorp
Classification: Uncertain significance for Adams-Oliver syndrome 5. Last evaluated: 2023-04-15. Review status: criteria provided, single submitter. Criteria: Invitae Variant Classification Sherloc (09022015). Collection method: clinical testing. Allele origin: germline.
Comment: This sequence change replaces serine, which is neutral and polar, with alanine, which is neutral and non-polar, at codon 1776 of the NOTCH1 protein (p.Ser1776Ala). This variant is not present in population databases (gnomAD no frequency). This variant has not been reported in the literature in individuals affected with NOTCH1-related conditions. Advanced modeling of protein sequence and biophysical properties (such as structural, functional, and spatial information, amino acid conservation, physicochemical variation, residue mobility, and thermodynamic stability) performed at Invitae indicates that this missense variant is not expected to disrupt NOTCH1 protein function. In summary, the available evidence is currently insufficient to determine the role of this variant in disease. Therefore, it has been classified as a Variant of Uncertain Significance.